The following is an entry in ClinVar:

ClinVar aggregate classification (germline): Uncertain significance (1 of 4 stars; one submission).

Submission:

GeneDx
Classification: Uncertain significance. Last evaluated: 2023-07-06. Review status: criteria provided, single submitter. Criteria: GeneDx Variant Classification Process June 2021. Collection method: clinical testing. Allele origin: germline. Affected: yes.
Comment: Not observed at significant frequency in large population cohorts (gnomAD); In silico analysis supports that this missense variant does not alter protein structure/function; Has not been previously published as pathogenic or benign to our knowledge

NM_001037333.3(CYFIP2):c.715G>T (p.Ala239Ser)

Gene: CYFIP2 (cytoplasmic FMR1 interacting protein 2; plus strand). Cytogenetic location: 5q33.3.
Variant type: single nucleotide variant.
Coding change: c.715G>T on transcript NM_001037333.3 (MANE Select); coding-DNA position 715, G replaced by T.
Protein change: p.Ala239Ser; replaces alanine 239 with serine.
Molecular consequence: missense variant.
Genome position (GRCh38, 1-based): chr5:157,304,286, G>T. VCF-style: chr5-157304286-G-T. GRCh37 (hg19) VCF-style: chr5-156731294-G-T.
Other names: c.637G>T, p.Ala213Ser (NM_001291721.2); c.715G>T, p.Ala239Ser (NM_001291722.2, NM_014376.4); short protein forms A213S, A239S.
Identifiers: ClinVar variation 3360779 (VCV003360779.1).